The following is an entry in ClinVar:

ClinVar aggregate classification (germline): Benign. Review status: criteria provided, multiple submitters, no conflicts (2 of 4 stars). 6 submissions from 5 submitters: Benign (6). Last evaluated 2021-07-30.

Conditions:
Ullrich congenital muscular dystrophy 1A. Also called: Ullrich congenital muscular dystrophy 1; Intermediate COL6-RD. Identifiers: Orphanet 75840, MedGen C0410179, MONDO:0009681, OMIM 254090.
Bethlem myopathy 1A. Also called: Bethlem myopathy 1; Bethlem Muscular Dystrophy; MYOPATHY, BENIGN CONGENITAL, WITH CONTRACTURES. Identifiers: Orphanet 610, MedGen CN029274, MONDO:0024530, OMIM 158810.

Allele frequency attached by ClinVar (database versions not stated): gnomAD 0.49819 and 0.49659; TOPMed 0.50719; gnomAD exomes 0.52486 and 0.54770; 1000 Genomes Project 0.51158; ESP Exome Variant Server 0.47278; 1000 Genomes Project 30x 0.50703; ExAC 0.53754.
gnomAD v4.1: 837,516 of 1,605,044 alleles (52%); highest among the groups gnomAD compares: Admixed American, 71%; 222,502 homozygotes.

Submissions (6):

Genome-Nilou Lab
Classification: Benign for Bethlem myopathy 1A. Last evaluated: 2021-07-30. Review status: criteria provided, single submitter. Criteria: ACMG Guidelines, 2015. Collection method: clinical testing. Allele origin: germline. Affected: no.

Genome-Nilou Lab
Classification: Benign for Ullrich congenital muscular dystrophy 1A. Last evaluated: 2021-07-30. Review status: criteria provided, single submitter. Criteria: ACMG Guidelines, 2015. Collection method: clinical testing. Allele origin: germline. Affected: no.

GeneDx
Classification: Benign. Last evaluated: 2018-06-14. Review status: criteria provided, single submitter. Criteria: GeneDx Variant Classification (06012015). Collection method: clinical testing. Allele origin: germline. Affected: yes.
Comment: This variant is considered likely benign or benign based on one or more of the following criteria: it is a conservative change, it occurs at a poorly conserved position in the protein, it is predicted to be benign by multiple in silico algorithms, and/or has population frequency not consistent with disease.

Eurofins Ntd Llc (ga)
Classification: Benign. Last evaluated: 2012-08-24. Review status: criteria provided, single submitter. Criteria: EGL Classification Definitions 2015. Collection method: clinical testing. Allele origin: germline. Observed: 44 variant alleles, 24 heterozygotes, 20 homozygotes.

Breakthrough Genomics
Classification: Benign. Review status: criteria provided, single submitter. Criteria: ACMG Guidelines, 2015. Collection method: not provided. Allele origin: germline. Inheritance: Autosomal recessive inheritance. Affected: yes.

PreventionGenetics, part of Exact Sciences
Classification: Benign. Review status: criteria provided, single submitter. Criteria: ACMG Guidelines, 2015. Collection method: clinical testing. Allele origin: germline.

NM_001848.3(COL6A1):c.1399-32T>C

Gene: COL6A1 (collagen type VI alpha 1 chain; plus strand). Cytogenetic location: 21q22.3.
Variant type: single nucleotide variant.
Coding change: c.1399-32T>C on transcript NM_001848.3 (MANE Select); 32 bases into the intron before coding-DNA position 1399, T replaced by C.
Molecular consequence: intron variant.
Genome position (GRCh38, 1-based): chr21:45,997,389, T>C. VCF-style: chr21-45997389-T-C. GRCh37 (hg19) VCF-style: chr21-47417303-T-C.
Identifiers: ClinVar variation 93813 (VCV000093813.9), dbSNP rs2839077, ClinGen allele CA147323.